The following is an entry in ClinVar:

NM_001161352.2(KCNMA1):c.1874A>G (p.Lys625Arg)

Gene: KCNMA1 (potassium calcium-activated channel subfamily M alpha 1; minus strand). Cytogenetic location: 10q22.3.
Variant type: single nucleotide variant.
Coding change: c.1874A>G on transcript NM_001161352.2 (MANE Select); coding-DNA position 1874, A replaced by G.
Protein change: p.Lys625Arg; replaces lysine 625 with arginine.
Molecular consequence: missense variant.
Genome position (GRCh38, 1-based): chr10:77,027,877, T>C on the plus strand (A>G on the coding strand, the complement: KCNMA1 is on the minus strand). VCF-style: chr10-77027877-T-C. GRCh37 (hg19) VCF-style: chr10-78787635-T-C.
Other names: c.1874A>G (NM_002247.3); c.1874A>G, p.Lys625Arg (NM_001322835.2, NM_001322836.2, NM_001322837.2 and 9 more transcripts); c.1334A>G, p.Lys445Arg (NM_001322838.2); c.2006A>G, p.Lys669Arg (NM_001437422.1); c.1712A>G, p.Lys571Arg (NM_001271518.2); short protein forms K445R, K571R, K625R, K669R.
Identifiers: ClinVar variation 4814083 (VCV004814083.2).

ClinVar aggregate classification (germline): Uncertain significance. Review status: criteria provided, multiple submitters, no conflicts (2 of 4 stars). 2 submissions from 2 submitters: Uncertain significance (2). Last evaluated 2026-02-13.

Conditions:
Liang-Wang syndrome. Identifiers: Orphanet 664438, MedGen C5231479, MONDO:0032886, OMIM 618729.

Submissions (2):

OLLIN Analises Genomicas, OLLIN
Classification: Uncertain significance for Liang-Wang syndrome. Last evaluated: 2026-02-13. Review status: criteria provided, single submitter. Criteria: ACMG Guidelines 2015 PMID 25741868. Collection method: clinical testing. Allele origin: germline. Observed: 1 variant allele.
Comment: PM2_P, PP2, PP3

GeneDx
Classification: Uncertain significance. Last evaluated: 2026-01-27. Review status: criteria provided, single submitter. Criteria: GeneDx Variant Classification Process June 2021. Collection method: clinical testing. Allele origin: germline.
Comment: Not observed at significant frequency in large population cohorts (gnomAD); In silico analysis supports that this missense variant has a deleterious effect on protein structure/function; Has not been previously published as pathogenic or benign to our knowledge; In silico analysis is inconclusive as to whether the variant alters gene splicing. In the absence of RNA/functional studies, the actual effect of this sequence change is unknown.